The following is an entry in ClinVar:

ClinVar aggregate classification (germline): Uncertain significance. Review status: criteria provided, multiple submitters, no conflicts (2 of 4 stars). 2 submissions from 2 submitters: Uncertain significance (2). Last evaluated 2025-10-15.

Conditions:
Inborn genetic diseases. Identifiers: MedGen C0950123, MeSH D030342.

gnomAD v4.1: 13 of 1,610,300 alleles (0.00081%); highest among the groups gnomAD compares: Non-Finnish European, 0.0011%; no homozygotes.

Submissions (2):

Labcorp Genetics (formerly Invitae), Labcorp
Classification: Uncertain significance. Last evaluated: 2025-10-15. Review status: criteria provided, single submitter. Criteria: Invitae Variant Classification Sherloc (09022015). Collection method: clinical testing. Allele origin: germline.
Comment: This sequence change replaces glutamine, which is neutral and polar, with proline, which is neutral and non-polar, at codon 252 of the KITLG protein (p.Gln252Pro). This variant is present in population databases (no rsID available, gnomAD 0.03%). This variant has not been reported in the literature in individuals affected with KITLG-related conditions. ClinVar contains an entry for this variant (Variation ID: 3864559). Invitae Evidence Modeling of protein sequence and biophysical properties (such as structural, functional, and spatial information, amino acid conservation, physicochemical variation, residue mobility, and thermodynamic stability) indicates that this missense variant is not expected to disrupt KITLG protein function with a negative predictive value of 80%. In summary, the available evidence is currently insufficient to determine the role of this variant in disease. Therefore, it has been classified as a Variant of Uncertain Significance.

Ambry Genetics
Classification: Uncertain significance for Inborn genetic diseases. Last evaluated: 2025-03-14. Review status: criteria provided, single submitter. Criteria: Ambry Variant Classification Scheme 2023. Collection method: clinical testing. Allele origin: germline.

NM_000899.5(KITLG):c.755A>C (p.Gln252Pro)

Gene: KITLG (KIT ligand; minus strand). Cytogenetic location: 12q21.32.
Variant type: single nucleotide variant.
Coding change: c.755A>C on transcript NM_000899.5 (MANE Select); coding-DNA position 755, A replaced by C.
Protein change: p.Gln252Pro; replaces glutamine 252 with proline.
Molecular consequence: missense variant.
Genome position (GRCh38, 1-based): chr12:88,506,338, T>G on the plus strand (A>C on the coding strand, the complement: KITLG is on the minus strand). VCF-style: chr12-88506338-T-G. GRCh37 (hg19) VCF-style: chr12-88900115-T-G.
Other names: c.671A>C, p.Gln224Pro (NM_003994.6); short protein forms Q252P, Q224P.
Identifiers: ClinVar variation 3864559 (VCV003864559.2).